The following is an entry in ClinVar:

NM_182961.4(SYNE1):c.10003A>G (p.Ile3335Val)

Gene: SYNE1 (spectrin repeat containing nuclear envelope protein 1; minus strand). Cytogenetic location: 6q25.2.
Variant type: single nucleotide variant.
Coding change: c.10003A>G on transcript NM_182961.4 (MANE Select); coding-DNA position 10003, A replaced by G.
Protein change: p.Ile3335Val; replaces isoleucine 3335 with valine.
Molecular consequence: missense variant.
Genome position (GRCh38, 1-based): chr6:152,364,989, T>C on the plus strand (A>G on the coding strand, the complement: SYNE1 is on the minus strand). VCF-style: chr6-152364989-T-C. GRCh37 (hg19) VCF-style: chr6-152686124-T-C.
Other names: c.10024A>G, p.Ile3342Val (NM_033071.5); short protein forms I3335V, I3342V.
Identifiers: ClinVar variation 1435817 (VCV001435817.7), dbSNP rs150814357, ClinGen allele CA4057096.
Genomic context (GRCh38, chr6:152,364,989, plus strand): 5'-CTTCTGGAGAAGTATTCTGAAGGACAGATTCTCCCCTGGTCACTATCATTTTCATCTGAA[T>C]CTCTTTTTCCTGTTTGACTGATAATAGAGCCTGTGAAAACACATACAGAAGTCCTTTGTC-3'
Protein context (NP_892006.3, residues 3325-3345): ALLSVKQEKE[Ile3335Val]QMKMIVTRGE

ClinVar aggregate classification (germline): Uncertain significance (1 of 4 stars; one submission).

Conditions:
Emery-Dreifuss muscular dystrophy 4, autosomal dominant (EDMD4). Also called: EMERY-DREIFUSS MUSCULAR DYSTROPHY 4 WITH VARIABLE FEATURES. Identifiers: Orphanet 261, MedGen C2751807, MONDO:0013071, OMIM 612998.
Autosomal recessive ataxia, Beauce type. Also called: Spinocerebellar ataxia, autosomal recessive 8; ATAXIA, RECESSIVE, OF BEAUCE; SYNE1 Deficiency; SYNE1-Related Autosomal Recessive Cerebellar Ataxia. Identifiers: Orphanet 88644, MedGen C1853116, MONDO:0012549, OMIM 610743.

Allele frequency attached by ClinVar (database versions not stated): gnomAD exomes 0.00002 and 0.00007; ExAC 0.00010; gnomAD 0.00017 and 0.00019; TOPMed 0.00020; 1000 Genomes Project 30x 0.00031; ESP Exome Variant Server 0.00031; 1000 Genomes Project 0.00040.
gnomAD v4.1: 52 of 1,614,222 alleles (0.0032%); highest among the groups gnomAD compares: African/African-American, 0.059%; no homozygotes.

Submission:

Labcorp Genetics (formerly Invitae), Labcorp
Classification: Uncertain significance for Emery-Dreifuss muscular dystrophy 4, autosomal dominant; Autosomal recessive ataxia, Beauce type. Last evaluated: 2022-06-03. Review status: criteria provided, single submitter. Criteria: Invitae Variant Classification Sherloc (09022015). Collection method: clinical testing. Allele origin: germline.
Comment: This sequence change replaces isoleucine, which is neutral and non-polar, with valine, which is neutral and non-polar, at codon 3342 of the SYNE1 protein (p.Ile3342Val). The frequency data for this variant in the population databases is considered unreliable, as metrics indicate poor data quality at this position in the gnomAD database. In summary, the available evidence is currently insufficient to determine the role of this variant in disease. Therefore, it has been classified as a Variant of Uncertain Significance. Algorithms developed to predict the effect of missense changes on protein structure and function are either unavailable or do not agree on the potential impact of this missense change (SIFT: "Deleterious"; PolyPhen-2: "Benign"; Align-GVGD: "Class C25"). ClinVar contains an entry for this variant (Variation ID: 1435817). This variant has not been reported in the literature in individuals affected with SYNE1-related conditions.